The following is an entry in ClinVar:

NM_005045.4(RELN):c.8833C>T (p.Arg2945Ter)

Genes: SLC26A5-AS1 (SLC26A5 antisense RNA 1; plus strand), RELN (reelin; minus strand). Cytogenetic location: 7q22.1.
Variant type: single nucleotide variant.
Coding change: c.8833C>T on transcript NM_005045.4 (MANE Select); coding-DNA position 8833, C replaced by T.
Protein change: p.Arg2945Ter; replaces arginine 2945 with a stop codon.
Molecular consequence: nonsense.
Genome position (GRCh38, 1-based): chr7:103,498,087, G>A on the plus strand (C>T on the coding strand, the complement: RELN is on the minus strand). VCF-style: chr7-103498087-G-A. GRCh37 (hg19) VCF-style: chr7-103138534-G-A.
Other names: c.8833C>T, p.Arg2945Ter (NM_173054.3); short protein forms R2945*.
Identifiers: ClinVar variation 4792198 (VCV004792198.1).

ClinVar aggregate classification (germline): Pathogenic (1 of 4 stars; one submission).

Conditions:
Norman-Roberts syndrome (LIS2). Also called: Lissencephaly 2 (Norman-Roberts type). Identifiers: Orphanet 89844, MedGen C0796089, MONDO:0009760, OMIM 257320.
Familial temporal lobe epilepsy 7. Identifiers: Orphanet 101046, MedGen C4225327, MONDO:0014639, OMIM 616436.

gnomAD v4.1: 1 of 1,614,058 alleles (0.000062%); highest among the groups gnomAD compares: Non-Finnish European, 0.000085%; no homozygotes.

Submission:

Labcorp Genetics (formerly Invitae), Labcorp
Classification: Pathogenic for Familial temporal lobe epilepsy 7; Norman-Roberts syndrome. Last evaluated: 2026-01-26. Review status: criteria provided, single submitter. Criteria: Invitae Variant Classification Sherloc (09022015). Collection method: clinical testing. Allele origin: germline.
Comment: This sequence change creates a premature translational stop signal (p.Arg2945*) in the RELN gene. It is expected to result in an absent or disrupted protein product. Loss-of-function variants in RELN are known to be pathogenic (PMID: 10973257, 26046367, 28454995). This variant is not present in population databases (gnomAD no frequency). This variant has not been reported in the literature in individuals affected with RELN-related conditions. For these reasons, this variant has been classified as Pathogenic.

Literature cited by the submitters: PubMed 10973257; PubMed 26046367; PubMed 28454995.